The following is an entry in ClinVar:

ClinVar aggregate classification (germline): Uncertain significance (1 of 4 stars; one submission).

Conditions:
Duchenne muscular dystrophy (DMD). Also called: MUSCULAR DYSTROPHY, PSEUDOHYPERTROPHIC PROGRESSIVE, DUCHENNE TYPE; Duchenne Muscular Dystrophy (DMD). Identifiers: Orphanet 98896, MedGen C0013264, MONDO:0010679, OMIM 310200.

Submission:

Labcorp Genetics (formerly Invitae), Labcorp
Classification: Uncertain significance for Duchenne muscular dystrophy. Last evaluated: 2020-09-29. Review status: criteria provided, single submitter. Criteria: Invitae Variant Classification Sherloc (09022015). Collection method: clinical testing. Allele origin: germline.
Comment: In summary, the available evidence is currently insufficient to determine the role of this variant in disease. Therefore, it has been classified as a Variant of Uncertain Significance. Experimental studies and prediction algorithms are not available or were not evaluated, and the functional significance of this variant is currently unknown. This variant has been observed in individual(s) with clinical features of Becker or Duchenne muscular dystrophy (PMID: 23224783, 8452597). This variant results in a copy number gain of the genomic region encompassing exon(s) 34 of the DMD gene. While the exact position of this variant cannot be determined from the data, sub-genic copy number gains are generally in tandem (PMID: 25640679). This variant is predicted to be in-frame, and likely preserves the integrity of the reading frame.

Literature cited by the submitters: PubMed 23224783; PubMed 8452597; PubMed 25640679.

NC_000023.10:g.(?_32398617)_(32398808_?)dup

Gene: DMD (dystrophin; minus strand). Cytogenetic location: Xp21.1.
Variant type: Duplication.
Identifiers: ClinVar variation 1024486 (VCV001024486.8).